The following is an entry in ClinVar:

ClinVar aggregate classification (germline): Uncertain significance (1 of 4 stars; one submission).

Conditions:
Pyogenic arthritis-pyoderma gangrenosum-acne syndrome (PAPA). Also called: PAPA SYNDROME; FAMILIAL RECURRENT ARTHRITIS. Identifiers: Orphanet 69126, MedGen C1858361, MONDO:0011462, OMIM 604416.

gnomAD v4.1: 5 of 1,605,336 alleles (0.00031%); highest among the groups gnomAD compares: Admixed American, 0.005%; no homozygotes.

Submission:

Labcorp Genetics (formerly Invitae), Labcorp
Classification: Uncertain significance for Pyogenic arthritis-pyoderma gangrenosum-acne syndrome. Last evaluated: 2024-08-11. Review status: criteria provided, single submitter. Criteria: Invitae Variant Classification Sherloc (09022015). Collection method: clinical testing. Allele origin: germline.
Comment: This sequence change affects an acceptor splice site in intron 13 of the PSTPIP1 gene. It is expected to disrupt RNA splicing. Variants that disrupt the donor or acceptor splice site typically lead to a loss of protein function (PMID: 16199547), however the current clinical and genetic evidence is not sufficient to establish whether loss-of-function variants in PSTPIP1 cause disease. This variant is present in population databases (rs762386952, gnomAD 0.006%). This variant has not been reported in the literature in individuals affected with PSTPIP1-related conditions. Algorithms developed to predict the effect of sequence changes on RNA splicing suggest that this variant may disrupt the consensus splice site. In summary, the available evidence is currently insufficient to determine the role of this variant in disease. Therefore, it has been classified as a Variant of Uncertain Significance.

Literature cited by the submitters: PubMed 16199547.

NM_003978.5(PSTPIP1):c.986-2A>G

Gene: PSTPIP1 (proline-serine-threonine phosphatase interacting protein 1; plus strand). Cytogenetic location: 15q24.3.
Variant type: single nucleotide variant.
Coding change: c.986-2A>G on transcript NM_003978.5 (MANE Select); the canonical splice acceptor site of the intron before coding-DNA position 986, A replaced by G.
Molecular consequence: splice acceptor variant. On other transcripts: intron variant (1).
Genome position (GRCh38, 1-based): chr15:77,035,800, A>G. VCF-style: chr15-77035800-A-G. GRCh37 (hg19) VCF-style: chr15-77328141-A-G.
Other names: c.1181-2A>G (NM_001321137.1); c.959-2A>G (NM_001321136.2); c.929-2A>G (NM_001321135.2); c.986-11A>G (NM_001411086.1).
Identifiers: ClinVar variation 3695211 (VCV003695211.2).
Genomic context (GRCh38, chr15:77,035,800, plus strand): 5'-TAGGACTTCCAGGGGCCAGTGTCCCCAGAAGGGGAGGGGTCTATGTCTCACCCTGCTCTT[A>G]GCGTCCACAGAGACCCTGACCCCCACCCCCGAGCGGAATGAGGGTGTCTACACAGCCATC-3'